The following is an entry in ClinVar:

NM_000127.3(EXT1):c.1391A>G (p.Asp464Gly)

Gene: EXT1 (exostosin glycosyltransferase 1; minus strand). Cytogenetic location: 8q24.11.
Variant type: single nucleotide variant.
Coding change: c.1391A>G on transcript NM_000127.3 (MANE Select); coding-DNA position 1391, A replaced by G.
Protein change: p.Asp464Gly; replaces aspartic acid 464 with glycine.
Molecular consequence: missense variant.
Genome position (GRCh38, 1-based): chr8:117,822,491, T>C on the plus strand (A>G on the coding strand, the complement: EXT1 is on the minus strand). VCF-style: chr8-117822491-T-C. GRCh37 (hg19) VCF-style: chr8-118834730-T-C.
Other names: short protein forms D464G.
Identifiers: ClinVar variation 1429105 (VCV001429105.6), dbSNP rs2129749125, ClinGen allele CA371887278.

ClinVar aggregate classification (germline): Uncertain significance (1 of 4 stars; one submission).

Conditions:
Multiple congenital exostosis (EXT). Also called: Hereditary multiple osteochondromas; Hereditary multiple exostoses; Hereditary multiple exostosis; Multiple osteochondromas; Multiple exostoses; MULTIPLE CARTILAGINOUS EXOSTOSES. Identifiers: Orphanet 321, MedGen C0015306, MONDO:0005508, HP:0002762.

Submission:

Labcorp Genetics (formerly Invitae), Labcorp
Classification: Uncertain significance for Multiple congenital exostosis. Last evaluated: 2021-12-13. Review status: criteria provided, single submitter. Criteria: Invitae Variant Classification Sherloc (09022015). Collection method: clinical testing. Allele origin: germline.
Comment: In summary, the available evidence is currently insufficient to determine the role of this variant in disease. Therefore, it has been classified as a Variant of Uncertain Significance. Advanced modeling of protein sequence and biophysical properties (such as structural, functional, and spatial information, amino acid conservation, physicochemical variation, residue mobility, and thermodynamic stability) performed at Invitae indicates that this missense variant is expected to disrupt EXT1 protein function. This variant is not present in population databases (gnomAD no frequency). This sequence change replaces aspartic acid, which is acidic and polar, with glycine, which is neutral and non-polar, at codon 464 of the EXT1 protein (p.Asp464Gly). This variant has not been reported in the literature in individuals affected with EXT1-related conditions.